The following is an entry in ClinVar:

NM_004360.5(CDH1):c.244G>A (p.Val82Met)

Gene: CDH1 (cadherin 1; plus strand). Cytogenetic location: 16q22.1.
Variant type: single nucleotide variant.
Coding change: c.244G>A on transcript NM_004360.5 (MANE Select); coding-DNA position 244, G replaced by A.
Protein change: p.Val82Met; replaces valine 82 with methionine.
Molecular consequence: missense variant. On other transcripts: 5 prime UTR variant (2).
Genome position (GRCh38, 1-based): chr16:68,801,750, G>A. VCF-style: chr16-68801750-G-A. GRCh37 (hg19) VCF-style: chr16-68835653-G-A.
Other names: c.244G>A (LRG_301t1); c.244G>A, p.Val82Met (NM_001317184.2); c.-1372G>A (NM_001317185.2); c.-1576G>A (NM_001317186.2); short protein forms V82M.
Identifiers: ClinVar variation 419434 (VCV000419434.20), dbSNP rs1064793867, ClinGen allele CA16620232.
Genomic context (GRCh38, chr16:68,801,750, plus strand): 5'-GGTCGACAAAGGACAGCCTATTTTTCCCTCGACACCCGATTCAAAGTGGGCACAGATGGT[G>A]TGATTACAGTCAAAAGGCCTCTACGGTTTCATAACCCACAGATCCATTTCTTGGTCTACG-3'
Protein context (NP_004351.1, residues 72-92): DTRFKVGTDG[Val82Met]ITVKRPLRFH

ClinVar aggregate classification (germline): Conflicting classifications of pathogenicity. Review status: criteria provided, conflicting classifications (1 of 4 stars). 7 submissions from 7 submitters: Uncertain significance (6); Likely benign (1). Last evaluated 2026-06-02.

Conditions:
Hereditary cancer-predisposing syndrome. Also called: Hereditary Cancer Syndrome; Tumor predisposition; Hereditary neoplastic syndrome; Neoplastic Syndromes, Hereditary. Identifiers: Orphanet 140162, MedGen C0027672, MeSH D009386, MONDO:0015356.
Hereditary diffuse gastric adenocarcinoma (HDGC). Also called: DIFFUSE GASTRIC AND LOBULAR BREAST CANCER SYNDROME. Identifiers: Orphanet 26106, MedGen C1708349, MONDO:0007648, OMIM 137215.
Familial cancer of breast. Also called: Hereditary breast cancer; BREAST CANCER, FAMILIAL; hereditary breast carcinoma. Identifiers: Orphanet 227535, MedGen C0346153, MONDO:0016419, OMIM 114480. Disease mechanism: loss of function.

Allele frequency attached by ClinVar (database versions not stated): gnomAD exomes 0.00001 and below 0.00001; TOPMed below 0.00001.
gnomAD v4.1: 7 of 1,614,188 alleles (0.00043%); highest among the groups gnomAD compares: South Asian, 0.0011%; no homozygotes.

Submissions (7):

Ambry Genetics
Classification: Likely benign for Hereditary cancer-predisposing syndrome. Last evaluated: 2026-06-02. Review status: criteria provided, single submitter. Criteria: Ambry Variant Classification Scheme 2023. Collection method: clinical testing. Allele origin: germline.

Labcorp Genetics (formerly Invitae), Labcorp
Classification: Uncertain significance for Hereditary diffuse gastric adenocarcinoma. Last evaluated: 2025-12-06. Review status: criteria provided, single submitter. Criteria: Invitae Variant Classification Sherloc (09022015). Collection method: clinical testing. Allele origin: germline.
Comment: This sequence change replaces valine, which is neutral and non-polar, with methionine, which is neutral and non-polar, at codon 82 of the CDH1 protein (p.Val82Met). This variant is present in population databases (no rsID available, gnomAD 0.003%). This missense change has been observed in individual(s) with breast cancer (PMID: 25503501, 36436516). ClinVar contains an entry for this variant (Variation ID: 419434). An algorithm developed to predict the effect of missense changes on protein structure and function (PolyPhen-2) suggests that this variant is likely to be disruptive. In summary, the available evidence is currently insufficient to determine the role of this variant in disease. Therefore, it has been classified as a Variant of Uncertain Significance.

Quest Diagnostics Nichols Institute San Juan Capistrano
Classification: Uncertain significance. Last evaluated: 2025-09-19. Review status: criteria provided, single submitter. Criteria: Quest Diagnostics criteria. Collection method: clinical testing. Allele origin: unknown.
Comment: The CDH1 c.244G>A (p.Val82Met) variant has been reported in the published literature in individuals with a personal and/or family history of breast cancer (PMID: 36436516 (2023), 33471991 (2021), 27153395 (2016), 25503501 (2015), see also LOVD), and reportedly unaffected individuals (PMID: 33471991 (2021), see also LOVD). The frequency of this variant in the general population (Genome Aggregation Database) is uninformative in the assessment of its pathogenicity. Analysis of this variant using bioinformatics tools for the prediction of the effect of amino acid changes on protein structure and function yielded predictions that this variant is benign. Additional analysis using software algorithms for the prediction of the effect of nucleotide changes on CDH1 mRNA splicing yielded predictions that this variant may result in the gain of a cryptic splice site without affecting the natural splice sites. Based on the available information, we are unable to determine the clinical significance of this variant.

Color Diagnostics, LLC DBA Color Health
Classification: Uncertain significance for Hereditary cancer-predisposing syndrome. Last evaluated: 2024-12-23. Review status: criteria provided, single submitter. Criteria: ACMG Guidelines, 2015. Collection method: clinical testing. Allele origin: germline.
Comment: This missense variant replaces valine with methionine at codon 82 of the CDH1 protein. To our knowledge, functional studies have not been reported for this variant. This variant has been reported in an individual affected with early-onset breast cancer in the literature (PMID: 25503501), as well as individuals with a family history of breast cancer (PMID: 36436516). This variant has been identified in 3/251404 chromosomes in the general population by the Genome Aggregation Database (gnomAD). The available evidence is insufficient to determine the role of this variant in disease conclusively. Therefore, this variant is classified as a Variant of Uncertain Significance.

Baylor Genetics
Classification: Uncertain significance for Familial cancer of breast. Last evaluated: 2023-10-12. Review status: criteria provided, single submitter. Criteria: ACMG Guidelines, 2015. Collection method: clinical testing. Allele origin: unknown.

European Reference Network on Genetic Tumour Risk Syndromes (ERN-GENTURIS), i3s - Instituto de Investigação e Inovação em Saúde, University of Porto
Classification: Uncertain significance for Hereditary diffuse gastric adenocarcinoma. Last evaluated: 2022-08-01. Review status: criteria provided, single submitter. Criteria: Lee et al. (Hum Mutat. 2018). Collection method: clinical testing. Allele origin: germline. Inheritance: Autosomal dominant inheritance. Affected: no. Study: ERN GENTURIS.
Comment: BS2_Supporting (PMID: 30311375)

GeneDx
Classification: Uncertain significance. Last evaluated: 2017-01-31. Review status: criteria provided, single submitter. Criteria: GeneDx Variant Classification (06012015). Collection method: clinical testing. Allele origin: germline. Affected: yes.
Comment: This variant is denoted CDH1 c.244G>A at the cDNA level, p.Val82Met (V82M) at the protein level, and results in the change of a Valine to a Methionine (GTG>ATG). This variant has been observed in at least one individual with early-onset breast cancer (Maxwell 2015). CDH1 Val82Met was not observed in approximately 6,500 individuals of European and African American ancestry in the NHLBI Exome Sequencing Project, suggesting it is not a common benign variant in these populations. Since Valine and Methionine share similar properties, this is considered a conservative amino acid substitution. CDH1 Val82Met occurs at a position that is not conserved and is located in the precursor sequence (Brooks-Wilson 2004). In silico analyses are inconsistent regarding the effect this variant may have on protein structure and function. Based on currently available evidence, it is unclear whether CDH1 Val82Met is a pathogenic or benign variant. We consider it to be a variant of uncertain significance.

Literature cited by the submitters: PubMed 25503501 (cited by 3 submitters); PubMed 36436516 (cited by 4 submitters); PubMed 27153395 (cited by Quest Diagnostics Nichols Institute San Juan Capistrano); PubMed 33471991 (cited by Quest Diagnostics Nichols Institute San Juan Capistrano).